The following is an entry in ClinVar:

ClinVar aggregate classification (germline): Pathogenic (1 of 4 stars; one submission).

Conditions:
Intellectual developmental disorder with autistic features and language delay, with or without seizures. Identifiers: MedGen C5394447, MONDO:0030051, OMIM 618906.

Submission:

Victorian Clinical Genetics Services, Murdoch Childrens Research Institute
Classification: Pathogenic for Intellectual developmental disorder with autistic features and language delay, with or without seizures. Last evaluated: 2023-07-17. Review status: criteria provided, single submitter. Criteria: ACMG Guidelines, 2015. Collection method: clinical testing. Allele origin: germline. Inheritance: Autosomal dominant inheritance. Affected: yes.
Comment: Based on the classification scheme VCGS_Germline_v1.3.4, this variant is classified as Pathogenic. Following criteria are met: 0102 - Loss of function is a known mechanism of disease in this gene and is associated with intellectual developmental disorder with autistic features and language delay, with or without seizures (MIM#618906). (I) 0107 - This gene is associated with autosomal dominant disease. (I) 0201 - Variant is predicted to cause nonsense-mediated decay (NMD) and loss of protein (premature termination codon is located at least 54 nucleotides upstream of the final exon-exon junction). (SP) 0251 - This variant is heterozygous. (I) 0301 - Variant is absent from gnomAD (both v2 and v3). (SP) 0701 - Other NMD predicted variants comparable to the one identified in this case have very strong previous evidence for pathogenicity (DECIPHER). (SP) 0807 - This variant has no previous evidence of pathogenicity. (I) 0905 - No published segregation evidence has been identified for this variant. (I) 1007 - No published functional evidence has been identified for this variant. (SP) Legend: (SP) - Supporting pathogenic, (I) - Information, (SB) - Supporting benign

NM_001394998.1(TANC2):c.4006dup (p.Asp1336fs)

Genes: TANC2 (tetratricopeptide repeat, ankyrin repeat and coiled-coil containing 2; plus strand), LOC105371856 (uncharacterized LOC105371856; minus strand). Cytogenetic location: 17q23.3.
Variant type: Duplication.
Coding change: c.4006dup on transcript NM_001394998.1 (MANE Select); coding-DNA position 4006, one base duplicated (G; older notation c.4006dupG).
Protein change: p.Asp1336fs; shifts the reading frame from aspartic acid 1336.
Molecular consequence: frameshift variant.
Genome position (GRCh38, 1-based): chr17:63,413,620, G duplicated; the last of 5 consecutive G bases (chr17:63,413,616-63,413,620); duplicating any one gives the same sequence. VCF-style (leftmost placement, unchanged base first): chr17-63413615-A-AG. GRCh37 (hg19) VCF-style: chr17-61490976-A-AG.
Other names: c.3784dup, p.Asp1262fs (NM_001411076.1); c.3754dup, p.Asp1252fs (NM_025185.4); short protein forms D1252fs, D1262fs, D1336fs.
Identifiers: ClinVar variation 3254885 (VCV003254885.1), dbSNP rs2510489906.